The following is an entry in ClinVar:

NM_024642.5(GALNT12):c.1133C>T (p.Ala378Val)

Gene: GALNT12 (polypeptide N-acetylgalactosaminyltransferase 12; plus strand). Cytogenetic location: 9q22.33.
Variant type: single nucleotide variant.
Coding change: c.1133C>T on transcript NM_024642.5 (MANE Select); coding-DNA position 1133, C replaced by T.
Protein change: p.Ala378Val; replaces alanine 378 with valine.
Molecular consequence: missense variant.
Genome position (GRCh38, 1-based): chr9:98,837,069, C>T. VCF-style: chr9-98837069-C-T. GRCh37 (hg19) VCF-style: chr9-101599351-C-T.
Other names: short protein forms A378V.
Identifiers: ClinVar variation 939296 (VCV000939296.13), dbSNP rs1836171083, ClinGen allele CA374219862.

ClinVar aggregate classification (germline): Uncertain significance. Review status: criteria provided, multiple submitters, no conflicts (2 of 4 stars). 2 submissions from 2 submitters: Uncertain significance (2). Last evaluated 2024-09-30.

Allele frequency attached by ClinVar (database versions not stated): gnomAD exomes below 0.00001; TOPMed 0.00001.
gnomAD v4.1: 2 of 1,614,172 alleles (0.00012%); highest among the groups gnomAD compares: Non-Finnish European, 0.00017%; no homozygotes.

Submissions (2):

Ambry Genetics
Classification: Uncertain significance. Last evaluated: 2024-09-30. Review status: criteria provided, single submitter. Criteria: Ambry Variant Classification Scheme 2023. Collection method: clinical testing. Allele origin: germline.
Comment: The p.A378V variant (also known as c.1133C>T), located in coding exon 6 of the GALNT12 gene, results from a C to T substitution at nucleotide position 1133. The alanine at codon 378 is replaced by valine, an amino acid with similar properties. This amino acid position is highly conserved in available vertebrate species. In addition, the in silico prediction for this alteration is inconclusive. The evidence for this gene-disease relationship is limited; therefore, the clinical significance of this alteration is unclear.

Labcorp Genetics (formerly Invitae), Labcorp
Classification: Uncertain significance. Last evaluated: 2024-03-15. Review status: criteria provided, single submitter. Criteria: Invitae Variant Classification Sherloc (09022015). Collection method: clinical testing. Allele origin: germline.
Comment: This sequence change replaces alanine, which is neutral and non-polar, with valine, which is neutral and non-polar, at codon 378 of the GALNT12 protein (p.Ala378Val). This variant is not present in population databases (gnomAD no frequency). This variant has not been reported in the literature in individuals affected with GALNT12-related conditions. ClinVar contains an entry for this variant (Variation ID: 939296). Advanced modeling of protein sequence and biophysical properties (such as structural, functional, and spatial information, amino acid conservation, physicochemical variation, residue mobility, and thermodynamic stability) performed at Invitae indicates that this missense variant is not expected to disrupt GALNT12 protein function with a negative predictive value of 80%. In summary, the available evidence is currently insufficient to determine the role of this variant in disease. Therefore, it has been classified as a Variant of Uncertain Significance.